The following is an entry in ClinVar:

NM_172245.4(CSF2RA):c.1006C>T (p.Leu336Phe)

Gene: CSF2RA (colony stimulating factor 2 receptor subunit alpha; plus strand). Cytogenetic location: Xp22.33.
Variant type: single nucleotide variant.
Coding change: c.1006C>T on transcript NM_172245.4 (MANE Select); coding-DNA position 1006, C replaced by T.
Protein change: p.Leu336Phe; replaces leucine 336 with phenylalanine.
Molecular consequence: missense variant. On other transcripts: intron variant (7), non-coding transcript variant (1).
Genome position (GRCh38, 1-based): chrX:1,303,982, C>T. VCF-style: chrX-1303982-C-T. GRCh37 (hg19) VCF-style: chrX-1422875-C-T.
Other names: c.1108C>T, p.Leu370Phe (NM_001379154.1, NM_001161530.2, NM_001379153.1); c.1006C>T, p.Leu336Phe (NM_001379155.1, NM_001379156.1, NM_001379158.1 and 9 more transcripts); c.976C>T, p.Leu326Phe (NM_001379160.1); c.947-1464C>T (NM_001379167.1, NM_001379169.1, NM_172247.3 and 1 more transcripts); c.946+3356C>T (NM_172246.4); c.647-1464C>T (NM_172249.4); c.855-1464C>T (NM_001379166.1); c.607C>T, p.Leu203Phe (NM_001161532.2); short protein forms L203F, L326F, L336F, L370F.
Identifiers: ClinVar variation 1056107 (VCV001056107.8), dbSNP rs143480669, ClinGen allele CA412236889.

ClinVar aggregate classification (germline): Uncertain significance (1 of 4 stars; one submission).

Conditions:
Surfactant metabolism dysfunction, pulmonary, 4 (SMDP4). Also called: CSF2RA DEFICIENCY; PAP DUE TO CSF2RA DEFICIENCY; PULMONARY ALVEOLAR PROTEINOSIS, CONGENITAL, 4. Identifiers: Orphanet 264675, MedGen C2677877, MONDO:0010424, OMIM 300770.

Submission:

Labcorp Genetics (formerly Invitae), Labcorp
Classification: Uncertain significance for Surfactant metabolism dysfunction, pulmonary, 4. Last evaluated: 2024-04-16. Review status: criteria provided, single submitter. Criteria: Invitae Variant Classification Sherloc (09022015). Collection method: clinical testing. Allele origin: germline.
Comment: This sequence change replaces leucine, which is neutral and non-polar, with phenylalanine, which is neutral and non-polar, at codon 336 of the CSF2RA protein (p.Leu336Phe). This variant is present in population databases (no rsID available, gnomAD 0.009%). This variant has not been reported in the literature in individuals affected with CSF2RA-related conditions. ClinVar contains an entry for this variant (Variation ID: 1056107). Advanced modeling of protein sequence and biophysical properties (such as structural, functional, and spatial information, amino acid conservation, physicochemical variation, residue mobility, and thermodynamic stability) performed at Invitae indicates that this missense variant is not expected to disrupt CSF2RA protein function with a negative predictive value of 80%. In summary, the available evidence is currently insufficient to determine the role of this variant in disease. Therefore, it has been classified as a Variant of Uncertain Significance.